The following is an entry in ClinVar:

NM_019066.5(MAGEL2):c.3227A>G (p.Gln1076Arg)

Gene: MAGEL2 (MAGE family member L2; minus strand). Cytogenetic location: 15q11.2.
Variant type: single nucleotide variant.
Coding change: c.3227A>G on transcript NM_019066.5 (MANE Select); coding-DNA position 3227, A replaced by G.
Protein change: p.Gln1076Arg; replaces glutamine 1076 with arginine.
Molecular consequence: missense variant.
Genome position (GRCh38, 1-based): chr15:23,644,516, T>C on the plus strand (A>G on the coding strand, the complement: MAGEL2 is on the minus strand). VCF-style: chr15-23644516-T-C. GRCh37 (hg19) VCF-style: chr15-23889663-T-C.
Other names: c.3227A>G (NM_019066.4); short protein forms Q1076R.
Identifiers: ClinVar variation 4923500 (VCV004923500.2).

ClinVar aggregate classification (germline): Uncertain significance. Review status: criteria provided, multiple submitters, no conflicts (2 of 4 stars). 2 submissions from 2 submitters: Uncertain significance (2). Last evaluated 2026-03-10.

Conditions:
MAGEL2-related disorder. Also called: MAGEL2-related condition.

Submissions (2):

PreventionGenetics, part of Exact Sciences
Classification: Uncertain significance for MAGEL2-related condition. Last evaluated: 2026-03-10. Review status: criteria provided, single submitter. Criteria: ACMG Guidelines, 2015. Collection method: clinical testing. Allele origin: germline.
Comment: The MAGEL2 c.3227A>G variant is predicted to result in the amino acid substitution p.Gln1076Arg. To our knowledge, this variant has not been reported in the literature or in a large population database (gnomAD), indicating this variant is rare. At this time, the clinical significance of this variant is uncertain due to the absence of conclusive functional and genetic evidence.

Blueprint Genetics
Classification: Uncertain significance. Last evaluated: 2024-02-07. Review status: criteria provided, single submitter. Criteria: ACMG Guidelines, 2015. Collection method: clinical testing. Allele origin: germline.